The following is an entry in ClinVar:

NM_006904.7(PRKDC):c.11503C>T (p.Pro3835Ser)

Gene: PRKDC (protein kinase, DNA-activated, catalytic subunit; minus strand). Cytogenetic location: 8q11.21.
Variant type: single nucleotide variant.
Coding change: c.11503C>T on transcript NM_006904.7 (MANE Select); coding-DNA position 11503, C replaced by T.
Protein change: p.Pro3835Ser; replaces proline 3835 with serine.
Molecular consequence: missense variant.
Genome position (GRCh38, 1-based): chr8:47,779,080, G>A on the plus strand (C>T on the coding strand, the complement: PRKDC is on the minus strand). VCF-style: chr8-47779080-G-A. GRCh37 (hg19) VCF-style: chr8-48691641-G-A.
Other names: c.11410C>T, p.Pro3804Ser (NM_001081640.2); short protein forms P3804S, P3835S.
Identifiers: ClinVar variation 1733865 (VCV001733865.2), dbSNP rs2551860051, ClinGen allele CA371129214.
Genomic context (GRCh38, chr8:47,779,080, plus strand): 5'-AAGCTCCAACATCATGTTTTCCTGACATTTTTGTCAGCCAATCTTTATATTCACACGGCG[G>A]TGCCCTGGGATCACTAATGAGTGAGAAAAGGGGAATTGGAATTAGGAAGATTTTAGCATT-3'
Protein context (NP_008835.5, residues 3825-3845): KAAYLSDPRA[Pro3835Ser]PCEYKDWLTK

ClinVar aggregate classification (germline): Uncertain significance (1 of 4 stars; one submission).

Submission:

Ambry Genetics
Classification: Uncertain significance. Last evaluated: 2022-07-11. Review status: criteria provided, single submitter. Criteria: Ambry Variant Classification Scheme 2023. Collection method: clinical testing. Allele origin: germline.
Comment: The p.P3835S variant (also known as c.11503C>T), located in coding exon 81 of the PRKDC gene, results from a C to T substitution at nucleotide position 11503. The proline at codon 3835 is replaced by serine, an amino acid with similar properties. This amino acid position is conserved. In addition, the in silico prediction for this alteration is inconclusive. Since supporting evidence is limited at this time, the clinical significance of this alteration remains unclear.